The following is an entry in ClinVar:

ClinVar aggregate classification (germline): Uncertain significance (1 of 4 stars; one submission).

Conditions:
Wilms tumor 1 (WT1). Also called: Wilms tumor, somatic. Identifiers: Orphanet 654, MedGen CN033288, MONDO:0008679, OMIM 194070.

Submission:

Labcorp Genetics (formerly Invitae), Labcorp
Classification: Uncertain significance for Wilms tumor 1. Last evaluated: 2023-09-25. Review status: criteria provided, single submitter. Criteria: Invitae Variant Classification Sherloc (09022015). Collection method: clinical testing. Allele origin: germline.
Comment: In summary, the available evidence is currently insufficient to determine the role of this variant in disease. Therefore, it has been classified as a Variant of Uncertain Significance. This sequence change falls in intron 7 of the GPC3 gene. It does not directly change the encoded amino acid sequence of the GPC3 protein. It affects a nucleotide within the consensus splice site. This variant is not present in population databases (gnomAD no frequency). This variant has not been reported in the literature in individuals affected with GPC3-related conditions. Variants that disrupt the consensus splice site are a relatively common cause of aberrant splicing (PMID: 17576681, 9536098). Algorithms developed to predict the effect of sequence changes on RNA splicing suggest that this variant is not likely to affect RNA splicing.

Literature cited by the submitters: PubMed 17576681; PubMed 9536098.

NM_004484.4(GPC3):c.1573+5C>T

Gene: GPC3 (glypican 3; minus strand). Cytogenetic location: Xq26.2.
Variant type: single nucleotide variant.
Coding change: c.1573+5C>T on transcript NM_004484.4 (MANE Select); 5 bases into the intron after coding-DNA position 1573, C replaced by T.
Molecular consequence: intron variant.
Genome position (GRCh38, 1-based): chrX:133,596,435, G>A on the plus strand (C>T on the coding strand, the complement: GPC3 is on the minus strand). VCF-style: chrX-133596435-G-A. GRCh37 (hg19) VCF-style: chrX-132730463-G-A.
Other names: c.1411+5C>T (NM_001164619.2); c.1525+5C>T (NM_001164618.2); c.1642+5C>T (NM_001164617.2).
Identifiers: ClinVar variation 2960833 (VCV002960833.3), dbSNP rs1402814450, ClinGen allele CA871702818.
Genomic context (GRCh38, chrX:133,596,435, plus strand): 5'-ATTTATTTTTAATTCCTGAGCATCACCATTTTTAGATTACATTTGGGTCAGCACTAATCA[G>A]TTACCTGCAAGGAAGCGGAGCTGATTCTTCACTTTTATCATTCCATCACCAGAGCCTCCA-3'